The following is an entry in ClinVar:

NM_007194.4(CHEK2):c.506T>G (p.Phe169Cys)

Gene: CHEK2 (checkpoint kinase 2; minus strand). Cytogenetic location: 22q12.1.
Variant type: single nucleotide variant.
Coding change: c.506T>G on transcript NM_007194.4 (MANE Select); coding-DNA position 506, T replaced by G.
Protein change: p.Phe169Cys; replaces phenylalanine 169 with cysteine.
Molecular consequence: missense variant. On other transcripts: 5 prime UTR variant (2), intron variant (1).
Genome position (GRCh38, 1-based): chr22:28,725,063, A>C on the plus strand (T>G on the coding strand, the complement: CHEK2 is on the minus strand). VCF-style: chr22-28725063-A-C. GRCh37 (hg19) VCF-style: chr22-29121051-A-C.
Other names: c.-158T>G (NM_001437942.1); c.599T>G, p.Phe200Cys (NM_001438293.1, NM_001438295.1); c.635T>G, p.Phe212Cys (NM_001438294.1, NM_001005735.3); c.506T>G, p.Phe169Cys (NM_145862.3); c.445-140T>G (NM_001349956.3); c.-272T>G (NM_001257387.3); short protein forms F169C, F212C, F200C.
Identifiers: ClinVar variation 577005 (VCV000577005.9), dbSNP rs1555926890, ClinGen allele CA411107434.

ClinVar aggregate classification (germline): Uncertain significance (1 of 4 stars; one submission).

Conditions:
Familial cancer of breast. Also called: hereditary breast carcinoma; BREAST CANCER, FAMILIAL; Hereditary breast cancer. Identifiers: Orphanet 227535, MedGen C0346153, MONDO:0016419, OMIM 114480. Disease mechanism: loss of function.

Submission:

Labcorp Genetics (formerly Invitae), Labcorp
Classification: Uncertain significance for Familial cancer of breast. Last evaluated: 2018-06-25. Review status: criteria provided, single submitter. Criteria: Invitae Variant Classification Sherloc (09022015). Collection method: clinical testing. Allele origin: germline.
Comment: In summary, the available evidence is currently insufficient to determine the role of this variant in disease. Therefore, it has been classified as a Variant of Uncertain Significance. Algorithms developed to predict the effect of missense changes on protein structure and function (SIFT, PolyPhen-2, Align-GVGD) all suggest that this variant is likely to be disruptive, but these predictions have not been confirmed by published functional studies and their clinical significance is uncertain. This variant has not been reported in the literature in individuals with CHEK2-related disease. This variant is not present in population databases (ExAC no frequency). This sequence change replaces phenylalanine with cysteine at codon 169 of the CHEK2 protein (p.Phe169Cys). The phenylalanine residue is highly conserved and there is a large physicochemical difference between phenylalanine and cysteine.